The following is an entry in ClinVar:

ClinVar aggregate classification (germline): Uncertain significance (1 of 4 stars; one submission).

Allele frequency attached by ClinVar (database versions not stated): ExAC 0.00002; gnomAD exomes 0.00002 and 0.00004; gnomAD 0.00003; TOPMed 0.00003.
gnomAD v4.1: 30 of 1,614,080 alleles (0.0019%); highest among the groups gnomAD compares: Non-Finnish European, 0.0025%; no homozygotes.

Submission:

Labcorp Genetics (formerly Invitae), Labcorp
Classification: Uncertain significance. Last evaluated: 2022-07-11. Review status: criteria provided, single submitter. Criteria: Invitae Variant Classification Sherloc (09022015). Collection method: clinical testing. Allele origin: germline.
Comment: This sequence change replaces isoleucine, which is neutral and non-polar, with valine, which is neutral and non-polar, at codon 1424 of the SNRNP200 protein (p.Ile1424Val). This variant is present in population databases (rs748961599, gnomAD 0.008%). This variant has not been reported in the literature in individuals affected with SNRNP200-related conditions. ClinVar contains an entry for this variant (Variation ID: 1477052). Algorithms developed to predict the effect of missense changes on protein structure and function output the following: SIFT: "Tolerated"; PolyPhen-2: "Benign"; Align-GVGD: "Class C0". The valine amino acid residue is found in multiple mammalian species, which suggests that this missense change does not adversely affect protein function. In summary, the available evidence is currently insufficient to determine the role of this variant in disease. Therefore, it has been classified as a Variant of Uncertain Significance.

NM_014014.5(SNRNP200):c.4270A>G (p.Ile1424Val)

Gene: SNRNP200 (small nuclear ribonucleoprotein U5 subunit 200; minus strand). Cytogenetic location: 2q11.2.
Variant type: single nucleotide variant.
Coding change: c.4270A>G on transcript NM_014014.5 (MANE Select); coding-DNA position 4270, A replaced by G.
Protein change: p.Ile1424Val; replaces isoleucine 1424 with valine.
Molecular consequence: missense variant.
Genome position (GRCh38, 1-based): chr2:96,284,480, T>C on the plus strand (A>G on the coding strand, the complement: SNRNP200 is on the minus strand). VCF-style: chr2-96284480-T-C. GRCh37 (hg19) VCF-style: chr2-96950218-T-C.
Other names: short protein forms I1424V.
Identifiers: ClinVar variation 1477052 (VCV001477052.5), dbSNP rs748961599, ClinGen allele CA1778248.
Genomic context (GRCh38, chr2:96,284,480, plus strand): 5'-TCTTGCGCTGCTTCCATCGCCGGGAAAGTATGTCCCACTTCTCAGGGGTGCTGATGATAA[T>C]GTTCCCTTTGCCCAGCAGCTTCAGGTCTGTGCTGGTCTCGCCTGTCAGGAGTACCACCTT-3'
Protein context (NP_054733.2, residues 1414-1434): TDLKLLGKGN[Ile1424Val]IISTPEKWDI